The following is an entry in ClinVar:

ClinVar aggregate classification (germline): Likely pathogenic (1 of 4 stars; one submission).

Conditions:
Hereditary factor VIII deficiency disease (HEMA). Also called: AUTOSOMAL HEMOPHILIA A; Hemophilia A; HEMOPHILIA, CLASSIC; Hemophilia A, congenital; HEM A; Factor 8 deficiency, congenital. Identifiers: Orphanet 98878, MedGen C0019069, MONDO:0010602, OMIM 306700.

Submission:

ARUP Laboratories, Molecular Genetics and Genomics, ARUP Laboratories
Classification: Likely pathogenic for Hereditary factor VIII deficiency disease. Last evaluated: 2018-08-22. Review status: criteria provided, single submitter. Criteria: ARUP Molecular Germline Variant Investigation Process. Collection method: clinical testing. Allele origin: germline.
Comment: The F8 c.377A>G; p.Lys126Arg variant, also known as K107R in the traditional nomenclature, is reported in the literature in at least one individual affected with hemophilia A (Rydz 2013). This variant is absent from general population databases (1000 Genomes Project, Exome Variant Server, and Genome Aggregation Database), indicating it is not a common polymorphism. Additionally, another variant at this codon (c.377A>C; p.Lys126Thr) has been reported in individuals with severe hemophilia A (Markoff 2009, see link to Factor VIII database). The lysine at codon 126 is highly conserved, and computational analyses (SIFT, PolyPhen-2) predict that this variant is deleterious. Based on available information, the p.Lys126Arg variant is considered to be likely pathogenic. References: Link to Factor VIII database: Markoff A et al. Combined homology modelling and evolutionary significance evaluation of missense mutations in blood clotting factor VIII to highlight aspects of structure and function. Haemophilia. 2009 Jul;15(4):932-41. Rydz N et al. The Canadian National Program for hemophilia mutation testing" database: a ten-year review. Am J Hematol. 2013 Dec;88(12):1030-4."

NM_000132.4(F8):c.377A>G (p.Lys126Arg)

Gene: F8 (coagulation factor VIII; minus strand). Cytogenetic location: Xq28.
Variant type: single nucleotide variant.
Coding change: c.377A>G on transcript NM_000132.4 (MANE Select); coding-DNA position 377, A replaced by G.
Protein change: p.Lys126Arg; replaces lysine 126 with arginine.
Molecular consequence: missense variant.
Genome position (GRCh38, 1-based): chrX:154,996,984, T>C on the plus strand (A>G on the coding strand, the complement: F8 is on the minus strand). VCF-style: chrX-154996984-T-C. GRCh37 (hg19) VCF-style: chrX-154225259-T-C.
Other names: short protein forms K126R.
Identifiers: ClinVar variation 811121 (VCV000811121.8), dbSNP rs1603436639, ClinGen allele CA414919889.